The following is an entry in ClinVar:

NM_000370.3(TTPA):c.551C>T (p.Thr184Met)

Gene: TTPA (alpha tocopherol transfer protein; minus strand). Cytogenetic location: 8q12.3.
Variant type: single nucleotide variant.
Coding change: c.551C>T on transcript NM_000370.3 (MANE Select); coding-DNA position 551, C replaced by T.
Protein change: p.Thr184Met; replaces threonine 184 with methionine.
Molecular consequence: missense variant.
Genome position (GRCh38, 1-based): chr8:63,065,905, G>A on the plus strand (C>T on the coding strand, the complement: TTPA is on the minus strand). VCF-style: chr8-63065905-G-A. GRCh37 (hg19) VCF-style: chr8-63978464-G-A.
Other names: short protein forms T184M.
Identifiers: ClinVar variation 1438370 (VCV001438370.4), dbSNP rs202136581, ClinGen allele CA4763215.

ClinVar aggregate classification (germline): Uncertain significance. Review status: criteria provided, multiple submitters, no conflicts (2 of 4 stars). 2 submissions from 2 submitters: Uncertain significance (2). Last evaluated 2024-10-22.

Allele frequency attached by ClinVar (database versions not stated): TOPMed below 0.00001; gnomAD 0.00001 and 0.00002; ExAC 0.00002; gnomAD exomes 0.00002; 1000 Genomes Project 30x 0.00016; 1000 Genomes Project 0.00020.
gnomAD v4.1: 28 of 1,613,794 alleles (0.0017%); highest among the groups gnomAD compares: East Asian, 0.0067%; no homozygotes.

Submissions (2):

Blueprint Genetics
Classification: Uncertain significance. Last evaluated: 2024-10-22. Review status: criteria provided, single submitter. Criteria: ACMG Guidelines, 2015. Collection method: clinical testing. Allele origin: germline.

Labcorp Genetics (formerly Invitae), Labcorp
Classification: Uncertain significance. Last evaluated: 2021-09-21. Review status: criteria provided, single submitter. Criteria: Invitae Variant Classification Sherloc (09022015). Collection method: clinical testing. Allele origin: germline.
Comment: This sequence change replaces threonine with methionine at codon 184 of the TTPA protein (p.Thr184Met). The threonine residue is highly conserved and there is a moderate physicochemical difference between threonine and methionine. This variant is present in population databases (rs202136581, ExAC 0.02%). This variant has not been reported in the literature in individuals affected with TTPA-related conditions. Algorithms developed to predict the effect of missense changes on protein structure and function (SIFT, PolyPhen-2, Align-GVGD) all suggest that this variant is likely to be disruptive. Algorithms developed to predict the effect of sequence changes on RNA splicing suggest that this variant may disrupt the consensus splice site. In summary, the available evidence is currently insufficient to determine the role of this variant in disease. Therefore, it has been classified as a Variant of Uncertain Significance.